The following is an entry in ClinVar:

ClinVar aggregate classification (germline): Likely benign (0 of 4 stars; one submission).

Conditions:
PLXNA3-related disorder. Also called: PLXNA3-related condition.

Allele frequency attached by ClinVar (database versions not stated): gnomAD 0.00004; ExAC 0.00005; gnomAD exomes 0.00007; TOPMed 0.00007; ESP Exome Variant Server 0.00009.
gnomAD v4.1: 84 of 1,210,417 alleles (0.0069%); highest among the groups gnomAD compares: East Asian, 0.015%; no homozygotes.

Submission:

PreventionGenetics, part of Exact Sciences
Classification: Likely benign for PLXNA3-related condition. Last evaluated: 2021-12-13. Review status: no assertion criteria provided. Collection method: clinical testing. Allele origin: germline.
Comment: This variant is classified as likely benign based on ACMG/AMP sequence variant interpretation guidelines (Richards et al. 2015 PMID: 25741868, with internal and published modifications).

NM_017514.5(PLXNA3):c.2808G>A (p.Thr936=)

Gene: PLXNA3 (plexin A3; plus strand). Cytogenetic location: Xq28.
Variant type: single nucleotide variant.
Coding change: c.2808G>A on transcript NM_017514.5 (MANE Select); coding-DNA position 2808, G replaced by A.
Protein change: p.Thr936=; no amino-acid change (threonine 936 retained).
Molecular consequence: synonymous variant.
Genome position (GRCh38, 1-based): chrX:154,466,384, G>A. VCF-style: chrX-154466384-G-A. GRCh37 (hg19) VCF-style: chrX-153694727-G-A.
Identifiers: ClinVar variation 3054643 (VCV003054643.2), dbSNP rs148820056, ClinGen allele CA10564494.